The following is an entry in ClinVar:

NM_024529.5(CDC73):c.1135G>T (p.Asp379Tyr)

Gene: CDC73 (cell division cycle 73; plus strand). Cytogenetic location: 1q31.2.
Variant type: single nucleotide variant.
Coding change: c.1135G>T on transcript NM_024529.5 (MANE Select); coding-DNA position 1135, G replaced by T.
Protein change: p.Asp379Tyr; replaces aspartic acid 379 with tyrosine.
Molecular consequence: missense variant.
Genome position (GRCh38, 1-based): chr1:193,212,458, G>T. VCF-style: chr1-193212458-G-T. GRCh37 (hg19) VCF-style: chr1-193181588-G-T.
Other names: short protein forms D379Y.
Identifiers: ClinVar variation 3265070 (VCV003265070.1).

ClinVar aggregate classification (germline): Uncertain significance (1 of 4 stars; one submission).

Conditions:
Hereditary cancer-predisposing syndrome. Also called: Hereditary Cancer Syndrome; Tumor predisposition; Hereditary neoplastic syndrome; Neoplastic Syndromes, Hereditary. Identifiers: Orphanet 140162, MedGen C0027672, MeSH D009386, MONDO:0015356.

Submission:

Ambry Genetics
Classification: Uncertain significance for Hereditary cancer-predisposing syndrome. Last evaluated: 2024-06-09. Review status: criteria provided, single submitter. Criteria: Ambry Variant Classification Scheme 2023. Collection method: clinical testing. Allele origin: germline.
Comment: The p.D379Y variant (also known as c.1135G>T), located in coding exon 13 of the CDC73 gene, results from a G to T substitution at nucleotide position 1135. The aspartic acid at codon 379 is replaced by tyrosine, an amino acid with highly dissimilar properties. This amino acid position is conserved. In addition, this alteration is predicted to be deleterious by in silico analysis. Based on the available evidence, the clinical significance of this variant remains unclear.